The following is an entry in ClinVar:

ClinVar aggregate classification (germline): Uncertain significance (1 of 4 stars; one submission).

Conditions:
Alagille syndrome due to a JAG1 point mutation. Also called: HEPATIC DUCTULAR HYPOPLASIA, SYNDROMATIC; JAG1-Related Alagille Syndrome; Alagille Syndrome 1. Identifiers: Orphanet 261619, Orphanet 52, MedGen C1956125, MONDO:0016862, OMIM 118450.

Allele frequency attached by ClinVar (database versions not stated): gnomAD exomes below 0.00001.
gnomAD v4.1: 1 of 1,614,256 alleles (0.000062%); highest among the groups gnomAD compares: Non-Finnish European, 0.000085%; no homozygotes.

Submission:

Labcorp Genetics (formerly Invitae), Labcorp
Classification: Uncertain significance for Alagille syndrome due to a JAG1 point mutation. Last evaluated: 2025-01-20. Review status: criteria provided, single submitter. Criteria: Invitae Variant Classification Sherloc (09022015). Collection method: clinical testing. Allele origin: germline.
Comment: This sequence change replaces asparagine, which is neutral and polar, with serine, which is neutral and polar, at codon 217 of the JAG1 protein (p.Asn217Ser). This variant is not present in population databases (gnomAD no frequency). This variant has not been reported in the literature in individuals affected with JAG1-related conditions. ClinVar contains an entry for this variant (Variation ID: 2954580). Invitae Evidence Modeling of protein sequence and biophysical properties (such as structural, functional, and spatial information, amino acid conservation, physicochemical variation, residue mobility, and thermodynamic stability) has been performed for this missense variant. However, the output from this modeling did not meet the statistical confidence thresholds required to predict the impact of this variant on JAG1 protein function. In summary, the available evidence is currently insufficient to determine the role of this variant in disease. Therefore, it has been classified as a Variant of Uncertain Significance.

NM_000214.3(JAG1):c.650A>G (p.Asn217Ser)

Gene: JAG1 (jagged canonical Notch ligand 1; minus strand). Cytogenetic location: 20p12.2.
Variant type: single nucleotide variant.
Coding change: c.650A>G on transcript NM_000214.3 (MANE Select); coding-DNA position 650, A replaced by G.
Protein change: p.Asn217Ser; replaces asparagine 217 with serine.
Molecular consequence: missense variant.
Genome position (GRCh38, 1-based): chr20:10,658,512, T>C on the plus strand (A>G on the coding strand, the complement: JAG1 is on the minus strand). VCF-style: chr20-10658512-T-C. GRCh37 (hg19) VCF-style: chr20-10639160-T-C.
Other names: short protein forms N217S.
Identifiers: ClinVar variation 2954580 (VCV002954580.3), dbSNP rs2514526448, ClinGen allele CA408239989.
Genomic context (GRCh38, chr20:10,658,512, plus strand): 5'-ACACACACACACATACCTCTGTTACATTCGGGGCCCATCCAGCCTTCCATGCAAGTTTTG[T>C]TGCCATTCTGGTCACAGGCATAGTGTCCAAAGAAGTCATCTCTGGGGCGGCAGAACTTAT-3'
Protein context (NP_000205.1, residues 207-227): FGHYACDQNG[Asn217Ser]KTCMEGWMGP